The following is an entry in ClinVar:

ClinVar aggregate classification (germline): Uncertain significance (1 of 4 stars; one submission).

Conditions:
Inborn genetic diseases. Identifiers: MedGen C0950123, MeSH D030342.

gnomAD v4.1: 3 of 1,614,100 alleles (0.00019%); highest among the groups gnomAD compares: Non-Finnish European, 0.00025%; no homozygotes.

Submission:

Ambry Genetics
Classification: Uncertain significance for Inborn genetic diseases. Last evaluated: 2021-07-16. Review status: criteria provided, single submitter. Criteria: Ambry Variant Classification Scheme 2023. Collection method: clinical testing. Allele origin: germline.
Comment: The p.C512Y variant (also known as c.1535G>A), located in coding exon 11 of the ACD gene, results from a G to A substitution at nucleotide position 1535. The cysteine at codon 512 is replaced by tyrosine, an amino acid with highly dissimilar properties. This amino acid position is conserved. In addition, this alteration is predicted to be tolerated by in silico analysis. Since supporting evidence is limited at this time, the clinical significance of this alteration remains unclear.

NM_001082486.2(ACD):c.1277G>A (p.Cys426Tyr)

Gene: ACD (ACD shelterin complex subunit and telomerase recruitment factor; minus strand). Cytogenetic location: 16q22.1.
Variant type: single nucleotide variant.
Coding change: c.1277G>A on transcript NM_001082486.2 (MANE Select); coding-DNA position 1277, G replaced by A.
Protein change: p.Cys426Tyr; replaces cysteine 426 with tyrosine.
Molecular consequence: missense variant.
Genome position (GRCh38, 1-based): chr16:67,657,783, C>T on the plus strand (G>A on the coding strand, the complement: ACD is on the minus strand). VCF-style: chr16-67657783-C-T. GRCh37 (hg19) VCF-style: chr16-67691686-C-T.
Other names: c.1190G>A, p.Cys397Tyr (NM_001410884.1); c.1268G>A, p.Cys423Tyr (NM_022914.3); short protein forms C397Y, C426Y, C423Y.
Identifiers: ClinVar variation 1774708 (VCV001774708.2), dbSNP rs1445369071, ClinGen allele CA396349848.